The following is an entry in ClinVar:

ClinVar aggregate classification (germline): Uncertain significance (1 of 4 stars; one submission).

Conditions:
Cardiovascular phenotype. Identifiers: MedGen CN230736.

gnomAD v4.1: 2 of 1,338,012 alleles (0.00015%); highest among the groups gnomAD compares: South Asian, 0.0035%; no homozygotes.

Submission:

Ambry Genetics
Classification: Uncertain significance for Cardiovascular phenotype. Last evaluated: 2026-01-24. Review status: criteria provided, single submitter. Criteria: Ambry Variant Classification Scheme 2023. Collection method: clinical testing. Allele origin: germline.
Comment: The p.G356A variant (also known as c.1067G>C), located in coding exon 8 of the TBX1 gene, results from a G to C substitution at nucleotide position 1067. The glycine at codon 356 is replaced by alanine, an amino acid with similar properties. This amino acid position is conserved. In addition, this alteration is predicted to be tolerated by in silico analysis. Based on the available evidence, the clinical significance of this variant remains unclear.

NM_001379200.1(TBX1):c.1094G>C (p.Gly365Ala)

Gene: TBX1 (T-box transcription factor 1; plus strand). Cytogenetic location: 22q11.21.
Variant type: single nucleotide variant.
Coding change: c.1094G>C on transcript NM_001379200.1 (MANE Select); coding-DNA position 1094, G replaced by C.
Protein change: p.Gly365Ala; replaces glycine 365 with alanine.
Molecular consequence: missense variant. On other transcripts: intron variant (2).
Genome position (GRCh38, 1-based): chr22:19,766,446, G>C. VCF-style: chr22-19766446-G-C. GRCh37 (hg19) VCF-style: chr22-19753969-G-C.
Other names: c.1067G>C, p.Gly356Ala (NM_080647.1); c.1009+444G>C (NM_005992.1, NM_080646.2); short protein forms G356A, G365A.
Identifiers: ClinVar variation 4844244 (VCV004844244.1).